The following is an entry in ClinVar:

NM_003590.5(CUL3):c.1207-3C>T

Gene: CUL3 (cullin 3; minus strand). Cytogenetic location: 2q36.2.
Variant type: single nucleotide variant.
Coding change: c.1207-3C>T on transcript NM_003590.5 (MANE Select); 3 bases into the intron before coding-DNA position 1207, C replaced by T.
Molecular consequence: intron variant.
Genome position (GRCh38, 1-based): chr2:224,503,825, G>A on the plus strand (C>T on the coding strand, the complement: CUL3 is on the minus strand). VCF-style: chr2-224503825-G-A. GRCh37 (hg19) VCF-style: chr2-225368542-G-A.
Other names: EX9_c(-3)t; IVS8, C-T, -3; c.1009-3C>T (NM_001257197.2); c.1225-3C>T (NM_001257198.2).
Identifiers: ClinVar variation 100519 (VCV000100519.3), dbSNP rs199469653, ClinGen allele CA269958.

ClinVar aggregate classification (germline): Pathogenic. Review status: no assertion criteria provided (0 of 4 stars). 2 submissions from 2 submitters: Pathogenic (2). Last evaluated 2012-01-22.

Conditions:
Pseudohypoaldosteronism type 2E (PHA2E). Also called: Pseudohypoaldosteronism Type IIE. Identifiers: Orphanet 300530, Orphanet 757, MedGen C3469606, MONDO:0013782, OMIM 614496.
Pseudohypoaldosteronism type 2A (PHA2A). Also called: GORDON HYPERKALEMIA-HYPERTENSION SYNDROME; HYPERTENSIVE HYPERKALEMIA, FAMILIAL. Identifiers: Orphanet 757, Orphanet 88938, MedGen C1840389, MONDO:0007772, OMIM 145260.

Submissions (2):

OMIM
Classification: Pathogenic for PSEUDOHYPOALDOSTERONISM, TYPE IIE. Last evaluated: 2012-01-22. Review status: no assertion criteria provided. Collection method: literature only. Allele origin: germline.

Richard Lifton Laboratory, Yale University School of Medicine
Classification: Pathogenic for Pseudohypoaldosteronism, type 2. Review status: no assertion criteria provided. Collection method: not provided. Allele origin: germline.
Comment: dominant;observed de novo;intron 8 splice acceptor
ClinVar note: Converted during submission from pathogenic to Pathogenic.

Literature cited by the submitters: PubMed 22266938 (cited by OMIM).